The following is an entry in ClinVar:

ClinVar aggregate classification (germline): Pathogenic/Likely pathogenic. Review status: criteria provided, multiple submitters, no conflicts (2 of 4 stars). 2 submissions from 2 submitters: Pathogenic (1); Likely pathogenic (1). Last evaluated 2026-10-21.

Allele frequency attached by ClinVar (database versions not stated): gnomAD exomes below 0.00001.

Submissions (2):

GeneDx
Classification: Likely pathogenic. Last evaluated: 2026-10-21. Review status: criteria provided, single submitter. Criteria: GeneDx Variant Classification Process June 2021. Collection method: clinical testing. Allele origin: germline.
Comment: Nonsense variant predicted to result in protein truncation or nonsense mediated decay in a gene for which loss of function is a known mechanism of disease; Not observed at significant frequency in large population cohorts (gnomAD); Has not been previously published as pathogenic or benign to our knowledge

Labcorp Genetics (formerly Invitae), Labcorp
Classification: Pathogenic. Last evaluated: 2022-09-22. Review status: criteria provided, single submitter. Criteria: Invitae Variant Classification Sherloc (09022015). Collection method: clinical testing. Allele origin: germline.
Comment: For these reasons, this variant has been classified as Pathogenic. This variant has not been reported in the literature in individuals affected with NKX2-1-related conditions. This variant is not present in population databases (gnomAD no frequency). This sequence change creates a premature translational stop signal (p.Trp2*) in the NKX2-1 gene. It is expected to result in an absent or disrupted protein product. Loss-of-function variants in NKX2-1 are known to be pathogenic (PMID: 23430038, 24714694).

Literature cited by the submitters: PubMed 23430038 (cited by Labcorp Genetics (formerly Invitae), Labcorp); PubMed 24714694 (cited by Labcorp Genetics (formerly Invitae), Labcorp).

NM_001079668.3(NKX2-1):c.5G>A (p.Trp2Ter)

Genes: NKX2-1 (NK2 homeobox 1; minus strand), NKX2-1-AS1 (NKX2-1 antisense RNA 1; plus strand). Cytogenetic location: 14q13.3.
Variant type: single nucleotide variant.
Coding change: c.5G>A on transcript NM_001079668.3 (MANE Select); coding-DNA position 5, G replaced by A.
Protein change: p.Trp2Ter; replaces tryptophan 2 with a stop codon.
Molecular consequence: nonsense.
Genome position (GRCh38, 1-based): chr14:36,520,125, C>T on the plus strand (G>A on the coding strand, the complement: NKX2-1 is on the minus strand). VCF-style: chr14-36520125-C-T. GRCh37 (hg19) VCF-style: chr14-36989330-C-T.
Other names: c.5G>A (NM_001079668.2); short protein forms W2*.
Identifiers: ClinVar variation 1920499 (VCV001920499.8), dbSNP rs1881285635, ClinGen allele CA389462796.